The following is an entry in ClinVar:

NM_000268.4(NF2):c.1694A>C (p.Asn565Thr)

Gene: NF2 (NF2, moesin-ezrin-radixin like (MERLIN) tumor suppressor; plus strand). Cytogenetic location: 22q12.2.
Variant type: single nucleotide variant.
Coding change: c.1694A>C on transcript NM_000268.4 (MANE Select); coding-DNA position 1694, A replaced by C.
Protein change: p.Asn565Thr; replaces asparagine 565 with threonine.
Molecular consequence: missense variant. On other transcripts: intron variant (3).
Genome position (GRCh38, 1-based): chr22:29,681,558, A>C. VCF-style: chr22-29681558-A-C. GRCh37 (hg19) VCF-style: chr22-30077547-A-C.
Other names: c.1445A>C, p.Asn482Thr (NM_181831.3, NM_001407063.1, NM_181830.3); c.1694A>C, p.Asn565Thr (NM_181832.3, NM_001407066.1, NM_016418.5 and 1 more transcripts); c.1574+3235A>C (NM_001407060.1); c.448-13194A>C (NM_181833.3); c.1325+3235A>C (NM_001407064.1); c.1580A>C, p.Asn527Thr (NM_001407053.1, NM_001407056.1); c.1571A>C, p.Asn524Thr (NM_001407054.1, NM_001407058.1, NM_181829.3); c.1568A>C, p.Asn523Thr (NM_001407055.1, NM_181828.3); and 4 more; short protein forms N387T, N482T, N524T, N527T, N479T, N488T, N520T, N523T.
Identifiers: ClinVar variation 5025711 (VCV005025711.1).

ClinVar aggregate classification (germline): Uncertain significance (1 of 4 stars; one submission).

Conditions:
Hereditary cancer-predisposing syndrome. Also called: Neoplastic Syndromes, Hereditary; Tumor predisposition; Hereditary neoplastic syndrome; Hereditary Cancer Syndrome. Identifiers: Orphanet 140162, MedGen C0027672, MeSH D009386, MONDO:0015356.

Submission:

Ambry Genetics
Classification: Uncertain significance for Hereditary cancer-predisposing syndrome. Last evaluated: 2026-08-16. Review status: criteria provided, single submitter. Criteria: Ambry Variant Classification Scheme 2023. Collection method: clinical testing. Allele origin: germline.
Comment: The p.N565T variant (also known as c.1694A>C), located in coding exon 15 of the NF2 gene, results from an A to C substitution at nucleotide position 1694. The asparagine at codon 565 is replaced by threonine, an amino acid with similar properties. This amino acid position is conserved. In addition, this alteration is predicted to be tolerated by in silico analysis. Based on the available evidence, the clinical significance of this variant remains unclear.